The following is an entry in ClinVar:

ClinVar aggregate classification (germline): Uncertain significance (1 of 4 stars; one submission).

Submission:

GeneDx
Classification: Uncertain significance. Last evaluated: 2025-06-11. Review status: criteria provided, single submitter. Criteria: GeneDx Variant Classification Process June 2021. Collection method: clinical testing. Allele origin: germline. Affected: yes.
Comment: Not observed at significant frequency in large population cohorts (gnomAD); In silico analysis suggests that this missense variant does not alter protein structure/function; Has not been previously published as pathogenic or benign to our knowledge

NM_001080453.3(INTS1):c.6167G>A (p.Arg2056Gln)

Gene: INTS1 (integrator complex subunit 1; minus strand). Cytogenetic location: 7p22.3.
Variant type: single nucleotide variant.
Coding change: c.6167G>A on transcript NM_001080453.3 (MANE Select); coding-DNA position 6167, G replaced by A.
Protein change: p.Arg2056Gln; replaces arginine 2056 with glutamine.
Molecular consequence: missense variant.
Genome position (GRCh38, 1-based): chr7:1,472,290, C>T on the plus strand (G>A on the coding strand, the complement: INTS1 is on the minus strand). VCF-style: chr7-1472290-C-T. GRCh37 (hg19) VCF-style: chr7-1511926-C-T.
Other names: short protein forms R2056Q.
Identifiers: ClinVar variation 4538108 (VCV004538108.1).